The following is an entry in ClinVar:

NM_000532.5(PCCB):c.1195C>T (p.Pro399Ser)

Gene: PCCB (propionyl-CoA carboxylase subunit beta; plus strand). Cytogenetic location: 3q22.3.
Variant type: single nucleotide variant.
Coding change: c.1195C>T on transcript NM_000532.5 (MANE Select); coding-DNA position 1195, C replaced by T.
Protein change: p.Pro399Ser; replaces proline 399 with serine.
Molecular consequence: missense variant.
Genome position (GRCh38, 1-based): chr3:136,326,907, C>T. VCF-style: chr3-136326907-C-T. GRCh37 (hg19) VCF-style: chr3-136045749-C-T.
Other names: c.1255C>T, p.Pro419Ser (NM_001178014.2); short protein forms P399S, P419S.
Identifiers: ClinVar variation 2180583 (VCV002180583.1), dbSNP rs1201850234, ClinGen allele CA354648882.

ClinVar aggregate classification (germline): Uncertain significance (1 of 4 stars; one submission).

Conditions:
Propionic acidemia (PROP). Also called: GLYCINEMIA, KETOTIC; HYPERGLYCINEMIA WITH KETOACIDOSIS AND LEUKOPENIA; KETOTIC HYPERGLYCINEMIA. Identifiers: Orphanet 35, MedGen C0268579, MONDO:0011628, OMIM 606054, HP:0003571.

Allele frequency attached by ClinVar (database versions not stated): gnomAD 0.00001.

Submission:

Labcorp Genetics (formerly Invitae), Labcorp
Classification: Uncertain significance for Propionic acidemia. Last evaluated: 2022-06-29. Review status: criteria provided, single submitter. Criteria: Invitae Variant Classification Sherloc (09022015). Collection method: clinical testing. Allele origin: germline.
Comment: This sequence change replaces proline, which is neutral and non-polar, with serine, which is neutral and polar, at codon 399 of the PCCB protein (p.Pro399Ser). This variant is present in population databases (no rsID available, gnomAD 0.01%). This variant has not been reported in the literature in individuals affected with PCCB-related conditions. Advanced modeling of protein sequence and biophysical properties (such as structural, functional, and spatial information, amino acid conservation, physicochemical variation, residue mobility, and thermodynamic stability) performed at Invitae indicates that this missense variant is expected to disrupt PCCB protein function. In summary, the available evidence is currently insufficient to determine the role of this variant in disease. Therefore, it has been classified as a Variant of Uncertain Significance.